The following is an entry in ClinVar:

ClinVar aggregate classification (germline): Uncertain significance. Review status: criteria provided, multiple submitters, no conflicts (2 of 4 stars). 3 submissions from 3 submitters: Uncertain significance (3). Last evaluated 2023-09-04.

Conditions:
RYR1-related disorder. Also called: RYR1-related disorders; RYR1-related condition. Identifiers: MedGen CN239331.
Malignant hyperthermia, susceptibility to, 1 (MHS1). Also called: Malignant hyperthermia suceptibility 1; RYR1-Related Malignant Hyperthermia Susceptibility; Anesthesia related hyperthermia; Malignant hyperpyrexia; Fulminating hyperpyrexia; Pharmacogenic myopathy. Identifiers: Orphanet 423, MedGen C2930980, MONDO:0007783, OMIM 145600.

Allele frequency attached by ClinVar (database versions not stated): ExAC 0.00001; gnomAD exomes 0.00001.
gnomAD v4.1: 8 of 1,614,138 alleles (0.0005%); highest among the groups gnomAD compares: Non-Finnish European, 0.00068%; no homozygotes.

Submissions (3):

All of Us Research Program, National Institutes of Health
Classification: Uncertain significance for Malignant hyperthermia, susceptibility to, 1. Last evaluated: 2023-09-04. Review status: criteria provided, single submitter. Criteria: ACMG Guidelines, 2015. Collection method: clinical testing. Allele origin: germline. Inheritance: Autosomal dominant inheritance. Observed: 6 variant alleles, 6 heterozygotes.
Comment: This missense variant replaces histidine with asparagine at codon 821 of the RYR1 protein. Computational prediction suggests that this variant may not impact protein structure and function (internally defined REVEL score threshold <= 0.5, PMID: 27666373). To our knowledge, functional studies have not been reported for this variant. This variant has not been reported in individuals affected with RYR1-related disorders in the literature. This variant has been identified in 2/251486 chromosomes in the general population by the Genome Aggregation Database (gnomAD). The available evidence is insufficient to determine the role of this variant in disease conclusively. Therefore, this variant is classified as a Variant of Uncertain Significance.

This study involves interpretation of variants in research participants for the purpose of population health screening. Participant phenotype was not available at the time of variant classification. Additional details can be found in publication PMID: 35346344, PMCID: PMC8962531

Labcorp Genetics (formerly Invitae), Labcorp
Classification: Uncertain significance for RYR1-related disorder. Last evaluated: 2022-10-05. Review status: criteria provided, single submitter. Criteria: Invitae Variant Classification Sherloc (09022015). Collection method: clinical testing. Allele origin: germline.
Comment: In summary, the available evidence is currently insufficient to determine the role of this variant in disease. Therefore, it has been classified as a Variant of Uncertain Significance. Advanced modeling of protein sequence and biophysical properties (such as structural, functional, and spatial information, amino acid conservation, physicochemical variation, residue mobility, and thermodynamic stability) performed at Invitae indicates that this missense variant is not expected to disrupt RYR1 protein function. ClinVar contains an entry for this variant (Variation ID: 224372). This variant has not been reported in the literature in individuals affected with RYR1-related conditions. This variant is present in population databases (rs764127808, gnomAD 0.002%). This sequence change replaces histidine, which is basic and polar, with asparagine, which is neutral and polar, at codon 821 of the RYR1 protein (p.His821Asn).

Biesecker Lab/Clinical Genomics Section, National Institutes of Health
Classification: Uncertain significance for Malignant hyperthermia, susceptibility to, 1. Last evaluated: 2013-07-01. Review status: criteria provided, single submitter. Criteria: Gonsalves et al. 2013. Collection method: research. Allele origin: unknown. Observed: 1 variant allele. Study: ClinSeq.
Comment: The study set was not selected for affection status in relation to any myopathy. Pathogenicity categories were based on literature curation. See Pubmed ID: 24195946 for details.

NM_000540.3(RYR1):c.2461C>A (p.His821Asn)

Gene: RYR1 (ryanodine receptor 1; plus strand). Cytogenetic location: 19q13.2.
Variant type: single nucleotide variant.
Coding change: c.2461C>A on transcript NM_000540.3 (MANE Select); coding-DNA position 2461, C replaced by A.
Protein change: p.His821Asn; replaces histidine 821 with asparagine.
Molecular consequence: missense variant.
Genome position (GRCh38, 1-based): chr19:38,460,475, C>A. VCF-style: chr19-38460475-C-A. GRCh37 (hg19) VCF-style: chr19-38951115-C-A.
Other names: c.2461C>A, p.His821Asn (NM_001042723.2); short protein forms H821N.
Identifiers: ClinVar variation 224372 (VCV000224372.7), dbSNP rs764127808, ClinGen allele CA063268.